The following is an entry in ClinVar:

ClinVar aggregate classification (germline): Uncertain significance (1 of 4 stars; one submission).

Conditions:
Genitopatellar syndrome (GTPTS). Also called: ABSENT PATELLAE, SCROTAL HYPOPLASIA, RENAL ANOMALIES, FACIAL DYSMORPHISM, AND MENTAL RETARDATION; Genitopatellar syndrome (GPS). Identifiers: Orphanet 85201, MedGen C1853566, MONDO:0011640, OMIM 606170.

Allele frequency attached by ClinVar (database versions not stated): ExAC 0.00001; gnomAD exomes 0.00001.
gnomAD v4.1: 3 of 1,613,822 alleles (0.00019%); highest among the groups gnomAD compares: Non-Finnish European, 0.00025%; no homozygotes.

Submission:

Labcorp Genetics (formerly Invitae), Labcorp
Classification: Uncertain significance for Genitopatellar syndrome. Last evaluated: 2025-05-11. Review status: criteria provided, single submitter. Criteria: Invitae Variant Classification Sherloc (09022015). Collection method: clinical testing. Allele origin: germline.
Comment: This sequence change replaces glycine, which is neutral and non-polar, with serine, which is neutral and polar, at codon 1384 of the KAT6B protein (p.Gly1384Ser). This variant is present in population databases (rs754489276, gnomAD 0.006%). This variant has not been reported in the literature in individuals affected with KAT6B-related conditions. ClinVar contains an entry for this variant (Variation ID: 2724065). Invitae Evidence Modeling of protein sequence and biophysical properties (such as structural, functional, and spatial information, amino acid conservation, physicochemical variation, residue mobility, and thermodynamic stability) indicates that this missense variant is not expected to disrupt KAT6B protein function with a negative predictive value of 80%. In summary, the available evidence is currently insufficient to determine the role of this variant in disease. Therefore, it has been classified as a Variant of Uncertain Significance.

NM_012330.4(KAT6B):c.4150G>A (p.Gly1384Ser)

Gene: KAT6B (lysine acetyltransferase 6B; plus strand). Cytogenetic location: 10q22.2.
Variant type: single nucleotide variant.
Coding change: c.4150G>A on transcript NM_012330.4 (MANE Select); coding-DNA position 4150, G replaced by A.
Protein change: p.Gly1384Ser; replaces glycine 1384 with serine.
Molecular consequence: missense variant.
Genome position (GRCh38, 1-based): chr10:75,028,974, G>A. VCF-style: chr10-75028974-G-A. GRCh37 (hg19) VCF-style: chr10-76788732-G-A.
Other names: c.3601G>A, p.Gly1201Ser (NM_001256468.2, NM_001370138.1); c.3274G>A, p.Gly1092Ser (NM_001256469.2, NM_001370142.1, NM_001370139.1 and 2 more transcripts); c.3085G>A, p.Gly1029Ser (NM_001370143.1, NM_001370144.1); c.3112G>A, p.Gly1038Ser (NM_001370132.1); c.2461G>A, p.Gly821Ser (NM_001370133.1); c.2065G>A, p.Gly689Ser (NM_001370134.1); c.1807G>A, p.Gly603Ser (NM_001370135.1); c.4150G>A, p.Gly1384Ser (NM_001370136.1, NM_001370137.1); short protein forms G1201S, G1384S, G689S, G1092S, G603S, G1029S, G1038S, G821S.
Identifiers: ClinVar variation 2724065 (VCV002724065.3), dbSNP rs754489276, ClinGen allele CA5564978.
Genomic context (GRCh38, chr10:75,028,974, plus strand): 5'-GAGGAAGAAGAGGAAGGGGAAGAAGAAGAAGGAGGAGGAAATGTAGAAAAAGATCCAGAT[G>A]GTGCTAAAAGCCAAGAAAAAGAGGAACCAGAAATCTCCACGGAAAAAGAAGACTCTGCAC-3'
Protein context (NP_036462.2, residues 1374-1394): GGGNVEKDPD[Gly1384Ser]AKSQEKEEPE